The following is an entry in ClinVar:

ClinVar aggregate classification (germline): Likely benign (1 of 4 stars; one submission).

Submission:

CeGaT Center for Human Genetics Tuebingen
Classification: Likely benign. Last evaluated: 2026-08-01. Review status: criteria provided, single submitter. Criteria: CeGaT Center For Human Genetics Tuebingen Variant Classification Criteria Version 2. Collection method: clinical testing. Allele origin: germline. Affected: yes. Observed: 1 variant allele.
Comment: MUC8: BP4, BP7

NC_000012.12:g.132473100C>T

Gene: MUC8 (mucin 8; minus strand). Cytogenetic location: 12q24.33.
Variant type: single nucleotide variant.
Genome position: GRCh38 VCF-style: chr12-132473100-C-T. GRCh37 (hg19) VCF-style: chr12-133049686-C-T.
Identifiers: ClinVar variation 5039205 (VCV005039205.1).